The following is an entry in ClinVar:

NM_000069.3(CACNA1S):c.1136A>G (p.Glu379Gly)

Gene: CACNA1S (calcium voltage-gated channel subunit alpha1 S; minus strand). Cytogenetic location: 1q32.1.
Variant type: single nucleotide variant.
Coding change: c.1136A>G on transcript NM_000069.3 (MANE Select); coding-DNA position 1136, A replaced by G.
Protein change: p.Glu379Gly; replaces glutamic acid 379 with glycine.
Molecular consequence: missense variant.
Genome position (GRCh38, 1-based): chr1:201,085,450, T>C on the plus strand (A>G on the coding strand, the complement: CACNA1S is on the minus strand). VCF-style: chr1-201085450-T-C. GRCh37 (hg19) VCF-style: chr1-201054578-T-C.
Other names: short protein forms E379G.
Identifiers: ClinVar variation 3073581 (VCV003073581.1), dbSNP rs761921972, ClinGen allele CA077969.
Genomic context (GRCh38, chr1:201,085,450, plus strand): 5'-AGTGAGAGAGTGGGGTGAGTGCTGACCACAGCCTTTGGGCCCAAACCTTCTCTGAAGTCC[T>C]CAACATCCATGACCTCGCCCTGCGTGATCCAGCTCATGTAGCCCCGAAGGTCCTCATCTA-3'
Protein context (NP_000060.2, residues 369-389): WITQGEVMDV[Glu379Gly]DFREGKLSLD

ClinVar aggregate classification (germline): Uncertain significance (1 of 4 stars; one submission).

Conditions:
Malignant hyperthermia, susceptibility to, 5 (MHS5). Also called: CACNA1S-Related Malignant Hyperthermia Susceptibility. Identifiers: Orphanet 423, MedGen C1866077, MONDO:0011163, OMIM 601887.

gnomAD v4.1: 9 of 1,613,344 alleles (0.00056%); highest among the groups gnomAD compares: South Asian, 0.0099%; no homozygotes.

Submission:

All of Us Research Program, National Institutes of Health
Classification: Uncertain significance for Malignant hyperthermia, susceptibility to, 5. Last evaluated: 2023-10-02. Review status: criteria provided, single submitter. Criteria: ACMG Guidelines, 2015. Collection method: clinical testing. Allele origin: germline. Inheritance: Autosomal dominant inheritance. Observed: 1 variant allele, 1 heterozygote.
Comment: This missense variant replaces glutamic acid with glycine at codon 379 of the CACNA1S protein. Computational prediction suggests that this variant may not impact protein structure and function (internally defined REVEL score threshold <= 0.5, PMID: 27666373). To our knowledge, functional studies have not been reported for this variant. This variant has not been reported in individuals affected with CACNA1S-related disorders in the literature. This variant has been identified in 5/251494 chromosomes in the general population by the Genome Aggregation Database (gnomAD). The available evidence is insufficient to determine the role of this variant in disease conclusively. Therefore, this variant is classified as a Variant of Uncertain Significance.

This study involves interpretation of variants in research participants for the purpose of population health screening. Participant phenotype was not available at the time of variant classification. Additional details can be found in publication PMID: 35346344, PMCID: PMC8962531